The following is an entry in ClinVar:

ClinVar aggregate classification (germline): Conflicting classifications of pathogenicity. Review status: criteria provided, conflicting classifications (1 of 4 stars). 6 submissions from 6 submitters: Pathogenic (1); Uncertain significance (5). Last evaluated 2025-09-30.

Conditions:
Ehlers-Danlos syndrome, classic type, 1 (EDSCL1). Also called: Ehlers-Danlos Syndrome, Classic Type, COL5A1-Related; EHLERS-DANLOS SYNDROME, GRAVIS TYPE; EHLERS-DANLOS SYNDROME, SEVERE CLASSIC TYPE; Ehlers-Danlos syndrome, type 1; EDS I. Identifiers: MedGen C0268335, MONDO:0019567, OMIM 130000.
Ehlers-Danlos syndrome, classic type (cEDS). Identifiers: Orphanet 287, MedGen C4225429, MONDO:0007522.

Allele frequency attached by ClinVar (database versions not stated): gnomAD exomes below 0.00001.
gnomAD v4.1: 1 of 1,613,552 alleles (0.000062%); no homozygotes.

Submissions (6):

GeneDx
Classification: Uncertain significance. Last evaluated: 2025-09-30. Review status: criteria provided, single submitter. Criteria: GeneDx Variant Classification Process June 2021. Collection method: clinical testing. Allele origin: germline. Affected: yes.
Comment: Not observed at significant frequency in large population cohorts (gnomAD); In silico analysis is inconclusive as to whether the variant alters gene splicing. In the absence of RNA/functional studies, the actual effect of this sequence change is unknown.; This variant is associated with the following publications: (PMID: 32467296, 29024828, 28485813, 31569816, 32736638, 37813462, 27011056)

3billion
Classification: Uncertain significance for Ehlers-Danlos syndrome, classic type, 1. Last evaluated: 2024-11-18. Review status: criteria provided, single submitter. Criteria: ACMG Guidelines, 2015. Collection method: clinical testing. Allele origin: germline. Affected: yes.
Comment: The variant is observed at an extremely low frequency in the gnomAD v4.1.0 dataset (total allele frequency: <0.001%). Predicted Consequence/Location: Synonymous variant In silico tools predict the variant to alter splicing and produce an abnormal transcript [SpliceAI: 0.32 (>=0.2, moderate evidence for spliceogenicity)]. The variant has been reported to be associated with COL5A1 related disorder (ClinVar ID: VCV000212971 /PMID: 28485813). However, the evidence of pathogenicity is insufficient at this time. Therefore, this variant is classified as VUS according to the recommendation of ACMG/AMP guideline.

Labcorp Genetics (formerly Invitae), Labcorp
Classification: Pathogenic for Ehlers-Danlos syndrome, classic type, 1. Last evaluated: 2023-12-18. Review status: criteria provided, single submitter. Criteria: Invitae Variant Classification Sherloc (09022015). Collection method: clinical testing. Allele origin: germline.
Comment: This sequence change affects codon 1356 of the COL5A1 mRNA. It is a 'silent' change, meaning that it does not change the encoded amino acid sequence of the COL5A1 protein. This variant also falls at the last nucleotide of exon 51, which is part of the consensus splice site for this exon. This variant is not present in population databases (gnomAD no frequency). This variant has been observed in individuals with Ehlers-Danlos syndrome (PMID: 27011056, 28485813, 32467296; Invitae). It has also been observed to segregate with disease in related individuals. ClinVar contains an entry for this variant (Variation ID: 212971). Variants that disrupt the consensus splice site are a relatively common cause of aberrant splicing (PMID: 17576681, 9536098). Algorithms developed to predict the effect of sequence changes on RNA splicing suggest that this variant may disrupt the consensus splice site. For these reasons, this variant has been classified as Pathogenic.

Mayo Clinic Laboratories, Mayo Clinic
Classification: Uncertain significance. Last evaluated: 2021-09-07. Review status: criteria provided, single submitter. Criteria: ACMG Guidelines, 2015. Collection method: clinical testing. Allele origin: germline.

ARUP Laboratories, Molecular Genetics and Genomics, ARUP Laboratories
Classification: Uncertain significance for Ehlers-Danlos syndrome, classic type, 1. Last evaluated: 2019-06-30. Review status: criteria provided, single submitter. Criteria: ARUP Molecular Germline Variant Investigation Process. Collection method: clinical testing. Allele origin: germline.
Comment: The COL5A1 c.4068G>A; p.Ala1356Ala variant (rs863223452) is reported in the literature in a mother and daughter with symptoms of Ehlers-Danlos syndrome (Colombi 2018). This variant is absent from general population databases (Exome Variant Server, Genome Aggregation Database), indicating it is not a common polymorphism. This is a synonymous variant the last nucleotide of exon 51, and computational analyses (Alamut v.2.11) predict that this variant may impact splicing by weakening the canonical donor splice site. Another variant at the same nucleotide, c.4068G>T, has been reported in an individual with Ehlers-Danlos syndrome and leads to skipping of exon 51 (Symoens 2012); however, RNA analyses would be required to confirm a splicing effect of the c.4068G>A variant. While existing evidence suggests this variant may be associated with disease, given the lack of clinical and functional data, the significance of the c.4068G>A variant is uncertain at this time. References: Colombi M et al. A classical Ehlers-Danlos syndrome family with incomplete presentation diagnosed by molecular testing. Eur J Med Genet. 2018 Jan;61(1):17-20. Symoens S et al. Comprehensive molecular analysis demonstrates type V collagen mutations in over 90% of patients with classic EDS and allows to refine diagnostic criteria. Hum Mutat. 2012 Oct;33(10):1485-93.

Hadassah Hebrew University Medical Center
Classification: Uncertain significance. Review status: criteria provided, single submitter. Criteria: ACMG Guidelines, 2015. Collection method: clinical testing. Allele origin: germline. Inheritance: Autosomal recessive inheritance. Affected: yes.

Literature cited by the submitters: PubMed 28485813 (cited by 3billion and Labcorp Genetics (formerly Invitae), Labcorp); PubMed 27011056 (cited by Labcorp Genetics (formerly Invitae), Labcorp); PubMed 32467296 (cited by Labcorp Genetics (formerly Invitae), Labcorp); PubMed 17576681 (cited by Labcorp Genetics (formerly Invitae), Labcorp); PubMed 9536098 (cited by Labcorp Genetics (formerly Invitae), Labcorp).

NM_000093.5(COL5A1):c.4068G>A (p.Ala1356=)

Gene: COL5A1 (collagen type V alpha 1 chain; plus strand). Cytogenetic location: 9q34.3.
Variant type: single nucleotide variant.
Coding change: c.4068G>A on transcript NM_000093.5 (MANE Select); coding-DNA position 4068, G replaced by A.
Protein change: p.Ala1356=; no amino-acid change (alanine 1356 retained).
Molecular consequence: synonymous variant.
Genome position (GRCh38, 1-based): chr9:134,815,629, G>A. VCF-style: chr9-134815629-G-A. GRCh37 (hg19) VCF-style: chr9-137707475-G-A.
Other names: p.A1356A:GCG>GCA; p.Ala1356=; c.4068G>A, p.Ala1356= (NM_001278074.1).
Identifiers: ClinVar variation 212971 (VCV000212971.27), dbSNP rs863223452, ClinGen allele CA322424.